The following is an entry in ClinVar:

ClinVar aggregate classification (germline): Likely benign. Review status: criteria provided, multiple submitters, no conflicts (2 of 4 stars). 3 submissions from 3 submitters: Likely benign (2). 1 of the submissions does not count toward it. Last evaluated 2026-02-01.

Conditions:
AUH-related disorder. Also called: AUH-related condition.
3-methylglutaconic aciduria type 1 (MGCA1). Identifiers: Orphanet 67046, MedGen C0342727, MONDO:0009610, OMIM 250950.

Allele frequency attached by ClinVar (database versions not stated): TOPMed 0.00005; gnomAD exomes 0.00006; gnomAD 0.00007.
gnomAD v4.1: 86 of 1,551,668 alleles (0.0055%); highest among the groups gnomAD compares: East Asian, 0.012%; no homozygotes.

Submissions (3):

CeGaT Center for Human Genetics Tuebingen
Classification: Likely benign. Last evaluated: 2026-02-01. Review status: criteria provided, single submitter. Criteria: CeGaT Center For Human Genetics Tuebingen Variant Classification Criteria Version 2. Collection method: clinical testing. Allele origin: germline. Affected: yes. Observed: 2 variant alleles.
Comment: AUH: BP4, BP7

Labcorp Genetics (formerly Invitae), Labcorp
Classification: Likely benign for 3-methylglutaconic aciduria type 1. Last evaluated: 2025-01-09. Review status: criteria provided, single submitter. Criteria: Invitae Variant Classification Sherloc (09022015). Collection method: clinical testing. Allele origin: germline.

PreventionGenetics, part of Exact Sciences
Classification: Likely benign for AUH-related condition. Last evaluated: 2019-08-06. Review status: no assertion criteria provided. Collection method: clinical testing. Allele origin: germline. Not counted in ClinVar's aggregate classification.
Comment: This variant is classified as likely benign based on ACMG/AMP sequence variant interpretation guidelines (Richards et al. 2015 PMID: 25741868, with internal and published modifications).

NM_001698.3(AUH):c.174C>T (p.Ala58=)

Genes: AUH (AU RNA binding methylglutaconyl-CoA hydratase; minus strand), LOC130002059 (ATAC-STARR-seq lymphoblastoid silent region 20025; plus strand). Cytogenetic location: 9q22.31.
Variant type: single nucleotide variant.
Coding change: c.174C>T on transcript NM_001698.3 (MANE Select); coding-DNA position 174, C replaced by T.
Protein change: p.Ala58=; no amino-acid change (alanine 58 retained).
Molecular consequence: synonymous variant. On other transcripts: 5 prime UTR variant (3).
Genome position (GRCh38, 1-based): chr9:91,361,716, G>A on the plus strand (C>T on the coding strand, the complement: AUH is on the minus strand). VCF-style: chr9-91361716-G-A. GRCh37 (hg19) VCF-style: chr9-94123998-G-A.
Other names: c.174C>T, p.Ala58= (NM_001306190.2); c.-224C>T (NM_001351431.2, NM_001351433.2); c.-316C>T (NM_001351432.2).
Identifiers: ClinVar variation 2413627 (VCV002413627.33), dbSNP rs776359681, ClinGen allele CA5119949.